The following is an entry in ClinVar:

ClinVar aggregate classification (germline): Uncertain significance (1 of 4 stars; one submission).

Conditions:
Cholestasis, progressive familial intrahepatic, 5 (PFIC5). Identifiers: Orphanet 480476, MedGen C4310747, MONDO:0014884, OMIM 617049.

gnomAD v4.1: 1 of 1,614,040 alleles (0.000062%); no homozygotes.

Submission:

Juno Genomics, Hangzhou Juno Genomics, Inc
Classification: Uncertain significance for Cholestasis, progressive familial intrahepatic, 5. Review status: criteria provided, single submitter. Criteria: ACMG Guidelines, 2015. Collection method: clinical testing. Allele origin: germline.
Comment: Absent from controls (or at extremely low frequency if recessive) in Genome Aggregation Database.;Multiple lines of computational evidence support a deleterious effect on the gene or gene product.

NM_001206979.2(NR1H4):c.1318C>G (p.Arg440Gly)

Gene: NR1H4 (nuclear receptor subfamily 1 group H member 4; plus strand). Cytogenetic location: 12q23.1.
Variant type: single nucleotide variant.
Coding change: c.1318C>G on transcript NM_001206979.2 (MANE Select); coding-DNA position 1318, C replaced by G.
Protein change: p.Arg440Gly; replaces arginine 440 with glycine.
Molecular consequence: missense variant. On other transcripts: non-coding transcript variant (1).
Genome position (GRCh38, 1-based): chr12:100,563,376, C>G. VCF-style: chr12-100563376-C-G. GRCh37 (hg19) VCF-style: chr12-100957154-C-G.
Other names: c.1318C>G, p.Arg440Gly (NM_001206977.2); c.1165C>G, p.Arg389Gly (NM_001206978.2); c.1336C>G, p.Arg446Gly (NM_001206992.2); c.1348C>G, p.Arg450Gly (NM_001206993.2); c.1306C>G, p.Arg436Gly (NM_005123.4); short protein forms R440G, R450G, R389G, R436G, R446G.
Identifiers: ClinVar variation 5005012 (VCV005005012.2).